The following is an entry in ClinVar:

ClinVar aggregate classification (germline): Uncertain significance (1 of 4 stars; one submission).

Allele frequency attached by ClinVar (database versions not stated): gnomAD 0.00003.
gnomAD v4.1: 6 of 1,548,478 alleles (0.00039%); highest among the groups gnomAD compares: African/African-American, 0.0082%; no homozygotes.

Submission:

Labcorp Genetics (formerly Invitae), Labcorp
Classification: Uncertain significance. Last evaluated: 2022-05-20. Review status: criteria provided, single submitter. Criteria: Invitae Variant Classification Sherloc (09022015). Collection method: clinical testing. Allele origin: germline.
Comment: This sequence change replaces glycine, which is neutral and non-polar, with cysteine, which is neutral and slightly polar, at codon 1298 of the ACE protein (p.Gly1298Cys). This variant is present in population databases (no rsID available, gnomAD 0.02%). This variant has not been reported in the literature in individuals affected with ACE-related conditions. Algorithms developed to predict the effect of missense changes on protein structure and function are either unavailable or do not agree on the potential impact of this missense change (SIFT: "Deleterious"; PolyPhen-2: "Benign"; Align-GVGD: "Class C0"). In summary, the available evidence is currently insufficient to determine the role of this variant in disease. Therefore, it has been classified as a Variant of Uncertain Significance.

NM_000789.4(ACE):c.3892G>T (p.Gly1298Cys)

Gene: ACE (angiotensin I converting enzyme; plus strand). Cytogenetic location: 17q23.3.
Variant type: single nucleotide variant.
Coding change: c.3892G>T on transcript NM_000789.4 (MANE Select); coding-DNA position 3892, G replaced by T.
Protein change: p.Gly1298Cys; replaces glycine 1298 with cysteine.
Molecular consequence: missense variant. On other transcripts: non-coding transcript variant (1).
Genome position (GRCh38, 1-based): chr17:63,497,337, G>T. VCF-style: chr17-63497337-G-T. GRCh37 (hg19) VCF-style: chr17-61574698-G-T.
Other names: c.2047G>T, p.Gly683Cys (NM_001178057.2); c.3325G>T, p.Gly1109Cys (NM_001382700.1); c.3040G>T, p.Gly1014Cys (NM_001382701.1); c.1507G>T, p.Gly503Cys (NM_001382702.1); c.2170G>T, p.Gly724Cys (NM_152830.3); short protein forms G1298C, G683C, G724C, G1014C, G1109C, G503C.
Identifiers: ClinVar variation 1987054 (VCV001987054.1), dbSNP rs1024799181, ClinGen allele CA292890484.